The following is an entry in ClinVar:

ClinVar aggregate classification (germline): Uncertain significance. Review status: criteria provided, multiple submitters, no conflicts (2 of 4 stars). 2 submissions from 2 submitters: Uncertain significance (2). Last evaluated 2024-10-12.

Conditions:
Inborn genetic diseases. Identifiers: MedGen C0950123, MeSH D030342.

Allele frequency attached by ClinVar (database versions not stated): ExAC 0.00001; gnomAD 0.00001.
gnomAD v4.1: 5 of 1,613,270 alleles (0.00031%); highest among the groups gnomAD compares: African/African-American, 0.0013%; no homozygotes.

Submissions (2):

Ambry Genetics
Classification: Uncertain significance for Inborn genetic diseases. Last evaluated: 2024-10-12. Review status: criteria provided, single submitter. Criteria: Ambry Variant Classification Scheme 2023. Collection method: clinical testing. Allele origin: germline.

Labcorp Genetics (formerly Invitae), Labcorp
Classification: Uncertain significance. Last evaluated: 2022-03-08. Review status: criteria provided, single submitter. Criteria: Invitae Variant Classification Sherloc (09022015). Collection method: clinical testing. Allele origin: germline.
Comment: In summary, the available evidence is currently insufficient to determine the role of this variant in disease. Therefore, it has been classified as a Variant of Uncertain Significance. Algorithms developed to predict the effect of missense changes on protein structure and function are either unavailable or do not agree on the potential impact of this missense change (SIFT: "Not Available"; PolyPhen-2: "Benign"; Align-GVGD: "Not Available"). This variant has not been reported in the literature in individuals affected with SLC9A3-related conditions. This variant is present in population databases (rs772016118, gnomAD 0.01%). This sequence change replaces valine, which is neutral and non-polar, with methionine, which is neutral and non-polar, at codon 248 of the SLC9A3 protein (p.Val248Met).

NM_004174.4(SLC9A3):c.742G>A (p.Val248Met)

Gene: SLC9A3 (solute carrier family 9 member A3). Cytogenetic location: 5p15.33.
Variant type: single nucleotide variant.
Coding change: c.742G>A on transcript NM_004174.4 (MANE Select); coding-DNA position 742, G replaced by A.
Protein change: p.Val248Met; replaces valine 248 with methionine.
Molecular consequence: missense variant.
Genome position (GRCh38, 1-based): chr5:485,165, C>T on the plus strand (G>A on the coding strand, the complement: SLC9A3 is on the minus strand). VCF-style: chr5-485165-C-T. GRCh37 (hg19) VCF-style: chr5-485280-C-T.
Other names: c.742G>A (NM_004174.2); c.742G>A, p.Val248Met (NM_001284351.3); short protein forms V248M.
Identifiers: ClinVar variation 1961800 (VCV001961800.6), dbSNP rs772016118, ClinGen allele CA3176220.